The following is an entry in ClinVar:

NM_020365.5(EIF2B3):c.1202G>T (p.Gly401Val)

Gene: EIF2B3 (eukaryotic translation initiation factor 2B subunit gamma; minus strand). Cytogenetic location: 1p34.1.
Variant type: single nucleotide variant.
Coding change: c.1202G>T on transcript NM_020365.5 (MANE Select); coding-DNA position 1202, G replaced by T.
Protein change: p.Gly401Val; replaces glycine 401 with valine.
Molecular consequence: missense variant.
Genome position (GRCh38, 1-based): chr1:44,874,678, C>A on the plus strand (G>T on the coding strand, the complement: EIF2B3 is on the minus strand). VCF-style: chr1-44874678-C-A. GRCh37 (hg19) VCF-style: chr1-45340350-C-A.
Other names: c.1202G>T, p.Gly401Val (NM_001166588.3, NM_001261418.2); short protein forms G401V.
Identifiers: ClinVar variation 2227712 (VCV002227712.2), dbSNP rs2522280000, ClinGen allele CA340116004.

ClinVar aggregate classification (germline): Uncertain significance (1 of 4 stars; one submission).

Conditions:
Inborn genetic diseases. Identifiers: MedGen C0950123, MeSH D030342.

gnomAD v4.1: 1 of 1,613,952 alleles (0.000062%); highest among the groups gnomAD compares: Non-Finnish European, 0.000085%; no homozygotes.

Submission:

Ambry Genetics
Classification: Uncertain significance for Inborn genetic diseases. Last evaluated: 2020-10-30. Review status: criteria provided, single submitter. Criteria: Ambry Variant Classification Scheme 2023. Collection method: clinical testing. Allele origin: germline.
Comment: The c.1202G>T (p.G401V) alteration is located in exon 10 (coding exon 9) of the EIF2B3 gene. This alteration results from a G to T substitution at nucleotide position 1202, causing the glycine (G) at amino acid position 401 to be replaced by a valine (V). However, this change occurs in the last base pair of coding exon9, which makes it likely to have some effect on normal mRNA splicing. Based on data from the Genome Aggregation Database (gnomAD), the EIF2B3 c.1202G>T alteration was not observed, with coverage at this position. This nucleotide position is highly conserved in available vertebrate species. This amino acid position is highly conserved in available vertebrate species. In silico splice site analysis predicts that this alteration will weaken the native splice donor site. In addition, as a missense substitution this is predicted to be deleterious by in silico analysis Based on insufficient or conflicting evidence, the clinical significance of this alteration remains unclear.